The following is an entry in ClinVar:

NM_015450.3(POT1):c.4T>A (p.Ser2Thr)

Gene: POT1 (protection of telomeres 1; minus strand). Cytogenetic location: 7q31.33.
Variant type: single nucleotide variant.
Coding change: c.4T>A on transcript NM_015450.3 (MANE Select); coding-DNA position 4, T replaced by A.
Protein change: p.Ser2Thr; replaces serine 2 with threonine.
Molecular consequence: missense variant. On other transcripts: 5 prime UTR variant (1), non-coding transcript variant (3).
Genome position (GRCh38, 1-based): chr7:124,897,170, A>T on the plus strand (T>A on the coding strand, the complement: POT1 is on the minus strand). VCF-style: chr7-124897170-A-T. GRCh37 (hg19) VCF-style: chr7-124537224-A-T.
Other names: c.-259T>A (NM_001042594.2); short protein forms S2T.
Identifiers: ClinVar variation 1744713 (VCV001744713.2), dbSNP rs2485575155, ClinGen allele CA369066368.

ClinVar aggregate classification (germline): Uncertain significance (1 of 4 stars; one submission).

Conditions:
Hereditary cancer-predisposing syndrome. Also called: Hereditary Cancer Syndrome; Neoplastic Syndromes, Hereditary; Tumor predisposition; Hereditary neoplastic syndrome. Identifiers: Orphanet 140162, MedGen C0027672, MeSH D009386, MONDO:0015356.

Submission:

Ambry Genetics
Classification: Uncertain significance for Hereditary cancer-predisposing syndrome. Last evaluated: 2020-05-12. Review status: criteria provided, single submitter. Criteria: Ambry Variant Classification Scheme 2023. Collection method: clinical testing. Allele origin: germline.
Comment: The p.S2T variant (also known as c.4T>A), located in coding exon 1 of the POT1 gene, results from a T to A substitution at nucleotide position 4. The serine at codon 2 is replaced by threonine, an amino acid with similar properties. This amino acid position is well conserved in available vertebrate species. In addition, this alteration is predicted to be tolerated by in silico analysis. Since supporting evidence is limited at this time, the clinical significance of this alteration remains unclear.